The following is an entry in ClinVar:

ClinVar aggregate classification (germline): Likely benign. Review status: criteria provided, single submitter (1 of 4 stars). 2 submissions from 2 submitters: Likely benign (1). 1 of the submissions does not count toward it. Last evaluated 2025-10-02.

Conditions:
ITGA3-related disorder. Also called: ITGA3-related condition.

gnomAD v4.1: 48 of 1,613,288 alleles (0.003%); highest among the groups gnomAD compares: Middle Eastern, 0.016%; no homozygotes.

Submissions (2):

Labcorp Genetics (formerly Invitae), Labcorp
Classification: Likely benign. Last evaluated: 2025-10-02. Review status: criteria provided, single submitter. Criteria: Invitae Variant Classification Sherloc (09022015). Collection method: clinical testing. Allele origin: germline.

PreventionGenetics, part of Exact Sciences
Classification: Likely benign for ITGA3-related condition. Last evaluated: 2020-06-23. Review status: no assertion criteria provided. Collection method: clinical testing. Allele origin: germline. Not counted in ClinVar's aggregate classification.
Comment: This variant is classified as likely benign based on ACMG/AMP sequence variant interpretation guidelines (Richards et al. 2015 PMID: 25741868, with internal and published modifications).

NM_002204.4(ITGA3):c.2289G>A (p.Ser763=)

Gene: ITGA3 (integrin subunit alpha 3; plus strand). Cytogenetic location: 17q21.33.
Variant type: single nucleotide variant.
Coding change: c.2289G>A on transcript NM_002204.4 (MANE Select); coding-DNA position 2289, G replaced by A.
Protein change: p.Ser763=; no amino-acid change (serine 763 retained).
Molecular consequence: synonymous variant.
Genome position (GRCh38, 1-based): chr17:50,078,276, G>A. VCF-style: chr17-50078276-G-A. GRCh37 (hg19) VCF-style: chr17-48155640-G-A.
Other names: c.2289G>A (NM_002204.3).
Identifiers: ClinVar variation 1581814 (VCV001581814.10), dbSNP rs143126480, ClinGen allele CA8641878.